The following is an entry in ClinVar:

ClinVar aggregate classification (germline): Likely pathogenic. Review status: criteria provided, multiple submitters, no conflicts (2 of 4 stars). 2 submissions from 2 submitters: Likely pathogenic (2). Last evaluated 2025-11-19.

Conditions:
Sjögren-Larsson syndrome (SLS). Also called: FALDH DEFICIENCY; FATTY ALCOHOL:NAD+ OXIDOREDUCTASE DEFICIENCY; FATTY ALDEHYDE DEHYDROGENASE DEFICIENCY; ICHTHYOSIS, SPASTIC NEUROLOGIC DISORDER, AND OLIGOPHRENIA. Identifiers: Orphanet 816, MedGen C0037231, MONDO:0010031, OMIM 270200.

Submissions (2):

Variantyx, Inc.
Classification: Likely pathogenic for Sjögren-Larsson syndrome. Last evaluated: 2025-11-19. Review status: criteria provided, single submitter. Criteria: Variantyx Assertion Criteria 2022. Collection method: clinical testing. Allele origin: germline. Inheritance: Autosomal recessive inheritance. Affected: no.
Comment: This is a frameshift variant in the ALDH3A2 gene (OMIM: 609523). Pathogenic variants in this gene have been associated with autosomal recessive Sjogren-Larsson syndrome. This variant introduces a premature termination codon in exon 8 out of 10 and is expected to result in loss of function, which is a known disease mechanism for ALDH3A2 in this disorder (PMID: 10577908, 10854114) (PVS1). This variant is absent from control populations (PM2). Based on the current evidence, this variant is classified as likely pathogenic for autosomal recessive Sjogren-Larsson syndrome.

Natera, Inc.
Classification: Likely pathogenic for Sjögren-Larsson syndrome. Last evaluated: 2025-02-03. Review status: criteria provided, single submitter. Criteria: Natera Variant Classification Schema (03/2026). Collection method: clinical testing. Allele origin: germline.
Comment: The c.1108_1115delCTCATCAAinsACAG variant in ALDH3A2 is a frameshift variant predicted to shift the reading frame beginning at codon 370 and leads to a stop codon 4 codons downstream. This variant is expected to result in nonsense mediated decay, truncation, or a dysfunctional protein product. This variant is rare in the general population with a frequency below the threshold expected for the associated phenotype(s). Given the available evidence, this variant is classified as Likely Pathogenic.

Literature cited by the submitters: PubMed 10577908 (cited by Variantyx, Inc.); PubMed 10854114 (cited by Variantyx, Inc.).

NM_000382.3(ALDH3A2):c.1108_1115delinsACAG (p.Leu370fs)

Gene: ALDH3A2 (aldehyde dehydrogenase 3 family member A2; plus strand). Cytogenetic location: 17p11.2.
Variant type: Indel.
Coding change: c.1108_1115delinsACAG on transcript NM_000382.3 (MANE Select); coding-DNA positions 1108 to 1115, CTCATCAA replaced by ACAG.
Protein change: p.Leu370fs; shifts the reading frame from leucine 370.
Molecular consequence: frameshift variant.
Genome position (GRCh38, 1-based): chr17:19,664,948-19,664,955, CTCATCAA replaced by ACAG. VCF-style: chr17-19664948-CTCATCAA-ACAG. GRCh37 (hg19) VCF-style: chr17-19568261-CTCATCAA-ACAG.
Other names: c.1108_1115delinsACAG, p.Leu370fs (NM_001031806.2, NM_001369136.1, NM_001369137.2 and 3 more transcripts); c.529_536delinsACAG, p.Leu177fs (NM_001369148.2); short protein forms L177fs, L370fs.
Identifiers: ClinVar variation 4818277 (VCV004818277.2).
Genomic context (GRCh38, chr17:19,664,948, plus strand): 5'-GCCATGAGTGTTCCCTAAGGGGCAACTTCACTGACCTGGACACCTTTGGTCTGTCCTCAG[CTCATCAA>ACAG]ACGGATGATTGATGAGACATCCAGTGGAGGTGTCACAGGCAATGACGTCATTATGCACTT-3'